The following is an entry in ClinVar:

ClinVar aggregate classification (germline): Uncertain significance. Review status: criteria provided, multiple submitters, no conflicts (2 of 4 stars). 4 submissions from 4 submitters: Uncertain significance (4). Last evaluated 2025-12-29.

Conditions:
Familial cancer of breast. Also called: BREAST CANCER, FAMILIAL; Hereditary breast cancer; hereditary breast carcinoma. Identifiers: Orphanet 227535, MedGen C0346153, MONDO:0016419, OMIM 114480. Disease mechanism: loss of function.
Hereditary cancer-predisposing syndrome. Also called: Hereditary neoplastic syndrome; Neoplastic Syndromes, Hereditary; Hereditary Cancer Syndrome; Tumor predisposition. Identifiers: Orphanet 140162, MedGen C0027672, MeSH D009386, MONDO:0015356.

Allele frequency attached by ClinVar (database versions not stated): gnomAD exomes below 0.00001; gnomAD 0.00001.
gnomAD v4.1: 2 of 1,613,656 alleles (0.00012%); highest among the groups gnomAD compares: Non-Finnish European, 0.00017%; no homozygotes.

Submissions (4):

Center for Genomic Medicine, Rigshospitalet, Copenhagen University Hospital
Classification: Uncertain significance. Last evaluated: 2025-12-29. Review status: criteria provided, single submitter. Criteria: ACMG Guidelines, 2015. Collection method: clinical testing. Allele origin: germline.

Labcorp Genetics (formerly Invitae), Labcorp
Classification: Uncertain significance for Familial cancer of breast. Last evaluated: 2025-07-19. Review status: criteria provided, single submitter. Criteria: Invitae Variant Classification Sherloc (09022015). Collection method: clinical testing. Allele origin: germline.
Comment: This sequence change replaces leucine, which is neutral and non-polar, with valine, which is neutral and non-polar, at codon 308 of the BARD1 protein (p.Leu308Val). This variant is present in population databases (no rsID available, gnomAD 0.007%). This variant has not been reported in the literature in individuals affected with BARD1-related conditions. ClinVar contains an entry for this variant (Variation ID: 530093). An algorithm developed to predict the effect of missense changes on protein structure and function (PolyPhen-2) suggests that this variant is likely to be tolerated. In summary, the available evidence is currently insufficient to determine the role of this variant in disease. Therefore, it has been classified as a Variant of Uncertain Significance.

Color Diagnostics, LLC DBA Color Health
Classification: Uncertain significance for Hereditary cancer-predisposing syndrome. Last evaluated: 2024-06-14. Review status: criteria provided, single submitter. Criteria: ACMG Guidelines, 2015. Collection method: clinical testing. Allele origin: germline.
Comment: This missense variant replaces leucine with valine at codon 308 of the BARD1 protein. Computational prediction suggests that this variant may not impact protein structure and function. To our knowledge, functional studies have not been reported for this variant. This variant has not been reported in individuals affected with BARD1-related disorders in the literature. This variant has been identified in 1/31398 chromosomes in the general population by the Genome Aggregation Database (gnomAD). The available evidence is insufficient to determine the role of this variant in disease conclusively. Therefore, this variant is classified as a Variant of Uncertain Significance.

Ambry Genetics
Classification: Uncertain significance for Hereditary cancer-predisposing syndrome. Last evaluated: 2024-03-13. Review status: criteria provided, single submitter. Criteria: Ambry Variant Classification Scheme 2023. Collection method: clinical testing. Allele origin: germline.
Comment: The p.L308V variant (also known as c.922C>G), located in coding exon 4 of the BARD1 gene, results from a C to G substitution at nucleotide position 922. The leucine at codon 308 is replaced by valine, an amino acid with highly similar properties. This amino acid position is not well conserved in available vertebrate species. In addition, this alteration is predicted to be tolerated by in silico analysis. Since supporting evidence is limited at this time, the clinical significance of this alteration remains unclear.

NM_000465.4(BARD1):c.922C>G (p.Leu308Val)

Gene: BARD1 (BRCA1 associated RING domain 1; minus strand). Cytogenetic location: 2q35.
Variant type: single nucleotide variant.
Coding change: c.922C>G on transcript NM_000465.4 (MANE Select); coding-DNA position 922, C replaced by G.
Protein change: p.Leu308Val; replaces leucine 308 with valine.
Molecular consequence: missense variant. On other transcripts: non-coding transcript variant (2), intron variant (3).
Genome position (GRCh38, 1-based): chr2:214,780,952, G>C on the plus strand (C>G on the coding strand, the complement: BARD1 is on the minus strand). VCF-style: chr2-214780952-G-C. GRCh37 (hg19) VCF-style: chr2-215645676-G-C.
Other names: c.865C>G, p.Leu289Val (NM_001282543.2); c.159-28397C>G (NM_001282548.2); c.215+16109C>G (NM_001282545.2); c.364+11345C>G (NM_001282549.2); short protein forms L308V, L289V.
Identifiers: ClinVar variation 530093 (VCV000530093.19), dbSNP rs1407053508, ClinGen allele CA350455053.